The following is an entry in ClinVar:

NM_000780.4(CYP7A1):c.1090C>T (p.Arg364Trp)

Genes: CYP7A1 (cytochrome P450 family 7 subfamily A member 1; minus strand), LOC126860400 (BRD4-independent group 4 enhancer GRCh37_chr8:59404317-59405516; plus strand). Cytogenetic location: 8q12.1.
Variant type: single nucleotide variant.
Coding change: c.1090C>T on transcript NM_000780.4 (MANE Select); coding-DNA position 1090, C replaced by T.
Protein change: p.Arg364Trp; replaces arginine 364 with tryptophan.
Molecular consequence: missense variant.
Genome position (GRCh38, 1-based): chr8:58,492,478, G>A on the plus strand (C>T on the coding strand, the complement: CYP7A1 is on the minus strand). VCF-style: chr8-58492478-G-A. GRCh37 (hg19) VCF-style: chr8-59405037-G-A.
Other names: p.Arg364Trp; short protein forms R364W.
Identifiers: ClinVar variation 2635773 (VCV002635773.4), dbSNP rs149291486, ClinGen allele CA4756656.

ClinVar aggregate classification (germline): Uncertain significance. Review status: criteria provided, multiple submitters, no conflicts (2 of 4 stars). 3 submissions from 3 submitters: Uncertain significance (3). Last evaluated 2025-03-24.

Conditions:
CYP7A1-related disorder. Also called: CYP7A1-related condition.

Allele frequency attached by ClinVar (database versions not stated): ExAC 0.00002; gnomAD exomes 0.00005; gnomAD 0.00009; TOPMed 0.00012; ESP Exome Variant Server 0.00015.
gnomAD v4.1: 93 of 1,613,836 alleles (0.0058%); highest among the groups gnomAD compares: African/African-American, 0.013%; no homozygotes.

Submissions (3):

Mayo Clinic Laboratories, Mayo Clinic
Classification: Uncertain significance. Last evaluated: 2025-03-24. Review status: criteria provided, single submitter. Criteria: ACMG Guidelines, 2015. Collection method: clinical testing. Allele origin: germline. Observed: 1 variant allele.
Comment: PP3_moderate, PM2_supporting

Labcorp Genetics (formerly Invitae), Labcorp
Classification: Uncertain significance. Last evaluated: 2024-12-05. Review status: criteria provided, single submitter. Criteria: Invitae Variant Classification Sherloc (09022015). Collection method: clinical testing. Allele origin: germline.
Comment: This sequence change replaces arginine, which is basic and polar, with tryptophan, which is neutral and slightly polar, at codon 364 of the CYP7A1 protein (p.Arg364Trp). This variant is present in population databases (rs149291486, gnomAD 0.02%). This variant has not been reported in the literature in individuals affected with CYP7A1-related conditions. ClinVar contains an entry for this variant (Variation ID: 2635773). Invitae Evidence Modeling of protein sequence and biophysical properties (such as structural, functional, and spatial information, amino acid conservation, physicochemical variation, residue mobility, and thermodynamic stability) indicates that this missense variant is expected to disrupt CYP7A1 protein function with a positive predictive value of 80%. In summary, the available evidence is currently insufficient to determine the role of this variant in disease. Therefore, it has been classified as a Variant of Uncertain Significance.

PreventionGenetics, part of Exact Sciences
Classification: Uncertain significance for CYP7A1-related condition. Last evaluated: 2023-05-01. Review status: criteria provided, single submitter. Criteria: ACMG Guidelines, 2015. Collection method: clinical testing. Allele origin: germline.
Comment: The CYP7A1 c.1090C>T variant is predicted to result in the amino acid substitution p.Arg364Trp. This variant was reported in a cohort of individuals with acute myocardial infarction (Pan-Lizcano et al. 2022. PubMed ID: 36555767). This variant is reported in 0.020% of alleles in individuals of African descent in gnomAD. At this time, the clinical significance of this variant is uncertain due to the absence of conclusive functional and genetic evidence.

Literature cited by the submitters: PubMed 36555767 (cited by Mayo Clinic Laboratories, Mayo Clinic).